The following is an entry in ClinVar:

NM_001323289.2(CDKL5):c.407T>G (p.Ile136Arg)

Gene: CDKL5 (cyclin dependent kinase like 5; plus strand). Cytogenetic location: Xp22.13.
Variant type: single nucleotide variant.
Coding change: c.407T>G on transcript NM_001323289.2 (MANE Select); coding-DNA position 407, T replaced by G.
Protein change: p.Ile136Arg; replaces isoleucine 136 with arginine.
Molecular consequence: missense variant.
Genome position (GRCh38, 1-based): chrX:18,581,894, T>G. VCF-style: chrX-18581894-T-G. GRCh37 (hg19) VCF-style: chrX-18600014-T-G.
Other names: c.407T>G, p.Ile136Arg (NM_001037343.2, NM_003159.3); short protein forms I136R.
Identifiers: ClinVar variation 1878650 (VCV001878650.1), dbSNP rs2518851294, ClinGen allele CA412350728.

ClinVar aggregate classification (germline): Uncertain significance (1 of 4 stars; one submission).

Conditions:
Developmental and epileptic encephalopathy, 2 (DEE2). Also called: CDKL5 deficiency disorder; INFANTILE SPASM SYNDROME, X-LINKED 2. Identifiers: Orphanet 1934, Orphanet 3451, Orphanet 505652, MedGen C4750718, MONDO:0010396, OMIM 300672.

Submission:

Neuberg Centre For Genomic Medicine, NCGM
Classification: Uncertain significance for Developmental and epileptic encephalopathy, 2. Review status: criteria provided, single submitter. Criteria: ACMG Guidelines, 2015. Collection method: clinical testing. Allele origin: germline. Affected: yes.
Comment: The missense variant p.I136R in CDKL5 (NM_003159.2) has not been reported previously as a pathogenic variant nor as a benign variant, to our knowledge. The p.I136R variant is novel (not in any individuals) in gnomAD Exomes and is novel (not in any individuals) in 1000 Genomes. There is a moderate physicochemical difference between isoleucine and arginine. The p.I136R missense variant is predicted to be damaging by both SIFT and PolyPhen2. The isoleucine residue at codon 136 of CDKL5 is conserved in all mammalian species. The nucleotide c.407 in CDKL5 is predicted conserved by GERP++ and PhyloP across 100 vertebrates.